The following is an entry in ClinVar:

ClinVar aggregate classification (germline): Uncertain significance (1 of 4 stars; one submission).

Allele frequency attached by ClinVar (database versions not stated): gnomAD 0.00001; gnomAD exomes 0.00001; TOPMed 0.00002.
gnomAD v4.1: 12 of 1,608,470 alleles (0.00075%); highest among the groups gnomAD compares: Non-Finnish European, 0.001%; no homozygotes.

Submission:

Labcorp Genetics (formerly Invitae), Labcorp
Classification: Uncertain significance. Last evaluated: 2023-10-16. Review status: criteria provided, single submitter. Criteria: Invitae Variant Classification Sherloc (09022015). Collection method: clinical testing. Allele origin: germline.
Comment: This sequence change replaces arginine, which is basic and polar, with histidine, which is basic and polar, at codon 691 of the TOP2B protein (p.Arg691His). The frequency data for this variant in the population databases is considered unreliable, as metrics indicate poor data quality at this position in the gnomAD database. This variant has not been reported in the literature in individuals affected with TOP2B-related conditions. ClinVar contains an entry for this variant (Variation ID: 1420706). An algorithm developed to predict the effect of missense changes on protein structure and function (PolyPhen-2) suggests that this variant is likely to be disruptive. In summary, the available evidence is currently insufficient to determine the role of this variant in disease. Therefore, it has been classified as a Variant of Uncertain Significance.

NM_001330700.2(TOP2B):c.2087G>A (p.Arg696His)

Gene: TOP2B (DNA topoisomerase II beta; minus strand). Cytogenetic location: 3p24.2.
Variant type: single nucleotide variant.
Coding change: c.2087G>A on transcript NM_001330700.2 (MANE Select); coding-DNA position 2087, G replaced by A.
Protein change: p.Arg696His; replaces arginine 696 with histidine.
Molecular consequence: missense variant.
Genome position (GRCh38, 1-based): chr3:25,626,794, C>T on the plus strand (G>A on the coding strand, the complement: TOP2B is on the minus strand). VCF-style: chr3-25626794-C-T. GRCh37 (hg19) VCF-style: chr3-25668285-C-T.
Other names: c.2072G>A, p.Arg691His (NM_001068.3); short protein forms R691H, R696H.
Identifiers: ClinVar variation 1420706 (VCV001420706.4), dbSNP rs1237274129, ClinGen allele CA351905647.
Genomic context (GRCh38, chr3:25,626,794, plus strand): 5'-CTCCTTCTTTCCCCAGGTCACCACTCTTTAAGACTAACCTCTGGTAAGCCATGTAGCCTA[C>T]GCTGTCTCCGGTCTTCCATAAAATTTGTTAACCATTCTTTTCTGTCATCAATCTTCTTCT-3'
Protein context (NP_001317629.1, residues 686-706): LTNFMEDRRQ[Arg696His]RLHGLPEQFL